The following is an entry in ClinVar:

NM_206933.4(USH2A):c.11711G>A (p.Arg3904Lys)

Gene: USH2A (usherin; minus strand). Cytogenetic location: 1q41.
Variant type: single nucleotide variant.
Coding change: c.11711G>A on transcript NM_206933.4 (MANE Select); coding-DNA position 11711, G replaced by A.
Protein change: p.Arg3904Lys; replaces arginine 3904 with lysine.
Molecular consequence: missense variant.
Genome position (GRCh38, 1-based): chr1:215,741,375, C>T on the plus strand (G>A on the coding strand, the complement: USH2A is on the minus strand). VCF-style: chr1-215741375-C-T. GRCh37 (hg19) VCF-style: chr1-215914717-C-T.
Other names: short protein forms R3904K.
Identifiers: ClinVar variation 1704032 (VCV001704032.5), dbSNP rs182741276, ClinGen allele CA1393649.

ClinVar aggregate classification (germline): Uncertain significance. Review status: criteria provided, multiple submitters, no conflicts (2 of 4 stars). 4 submissions from 3 submitters: Uncertain significance (4). Last evaluated 2023-11-04.

Conditions:
Retinitis pigmentosa 39 (RP39). Identifiers: Orphanet 791, MedGen C3151138, MONDO:0013436, OMIM 613809.
Usher syndrome type 2A. Also called: USHER SYNDROME, TYPE IIA; RETINAL DISEASE IN USHER SYNDROME TYPE IIA, MODIFIER OF. Identifiers: Orphanet 231178, Orphanet 886, MedGen C1848634, MONDO:0010169, OMIM 276901.

Allele frequency attached by ClinVar (database versions not stated): ExAC 0.00002; gnomAD exomes 0.00004; TOPMed 0.00005; ESP Exome Variant Server 0.00008; 1000 Genomes Project 30x 0.00016; 1000 Genomes Project 0.00020.
gnomAD v4.1: 68 of 1,613,348 alleles (0.0042%); highest among the groups gnomAD compares: Admixed American, 0.0067%; no homozygotes.

Submissions (4):

Genome-Nilou Lab
Classification: Uncertain significance for Retinitis pigmentosa 39. Last evaluated: 2023-11-04. Review status: criteria provided, single submitter. Criteria: ACMG Guidelines, 2015. Collection method: clinical testing. Allele origin: germline. Affected: no.

Genome-Nilou Lab
Classification: Uncertain significance for Usher syndrome type 2A. Last evaluated: 2023-11-04. Review status: criteria provided, single submitter. Criteria: ACMG Guidelines, 2015. Collection method: clinical testing. Allele origin: germline. Affected: no.

Labcorp Genetics (formerly Invitae), Labcorp
Classification: Uncertain significance. Last evaluated: 2022-06-11. Review status: criteria provided, single submitter. Criteria: Invitae Variant Classification Sherloc (09022015). Collection method: clinical testing. Allele origin: germline.
Comment: This sequence change affects codon 3904 of the USH2A mRNA. It is a 'silent' change, meaning that it does not change the encoded amino acid sequence of the USH2A protein. This variant also falls at the last nucleotide of exon 60, which is part of the consensus splice site for this exon. This variant is present in population databases (rs182741276, gnomAD 0.009%). This variant has been observed in individual(s) with Usher syndrome (PMID: 20507924). Algorithms developed to predict the effect of missense changes on protein structure and function (SIFT, PolyPhen-2, Align-GVGD) all suggest that this variant is likely to be disruptive. Variants that disrupt the consensus splice site are a relatively common cause of aberrant splicing (PMID: 17576681, 9536098). Algorithms developed to predict the effect of sequence changes on RNA splicing suggest that this variant may disrupt the consensus splice site. In summary, the available evidence is currently insufficient to determine the role of this variant in disease. Therefore, it has been classified as a Variant of Uncertain Significance.

GeneDx
Classification: Uncertain significance. Last evaluated: 2022-03-03. Review status: criteria provided, single submitter. Criteria: GeneDx Variant Classification Process June 2021. Collection method: clinical testing. Allele origin: germline. Affected: yes.
Comment: In silico analysis supports that this missense variant does not alter protein structure/function; Has not been previously published as pathogenic or benign to our knowledge

Literature cited by the submitters: PubMed 20507924 (cited by Labcorp Genetics (formerly Invitae), Labcorp); PubMed 17576681 (cited by Labcorp Genetics (formerly Invitae), Labcorp); PubMed 9536098 (cited by Labcorp Genetics (formerly Invitae), Labcorp).